The following is an entry in ClinVar:

NM_001379500.1(COL18A1):c.2557A>T (p.Thr853Ser)

Gene: COL18A1 (collagen type XVIII alpha 1 chain; plus strand). Cytogenetic location: 21q22.3.
Variant type: single nucleotide variant.
Coding change: c.2557A>T on transcript NM_001379500.1 (MANE Select); coding-DNA position 2557, A replaced by T.
Protein change: p.Thr853Ser; replaces threonine 853 with serine.
Molecular consequence: missense variant.
Genome position (GRCh38, 1-based): chr21:45,496,548, A>T. VCF-style: chr21-45496548-A-T. GRCh37 (hg19) VCF-style: chr21-46916462-A-T.
Other names: NM_130445.2:c.2557A>T; c.3097A>T, p.Thr1033Ser (NM_030582.4); c.3802A>T, p.Thr1268Ser (NM_130444.3); short protein forms T1033S, T1268S, T853S.
Identifiers: ClinVar variation 1359015 (VCV001359015.4), dbSNP rs2146009421, ClinGen allele CA410497988.
Genomic context (GRCh38, chr21:45,496,548, plus strand): 5'-CCCTCCCCACAGGGAATGCCCGGCCCCCCAGGACCTCCAGGGCCCCCAGGCCCTCCAGGG[A>T]CTCCTGTTTACGACAGCAATGTAAGTCCCCAGGGCACCCACTGTCCTACAGCCACCCTTG-3'
Protein context (NP_001366429.1, residues 843-863): GPPGPPGPPG[Thr853Ser]PVYDSNVFAE

ClinVar aggregate classification (germline): Uncertain significance. Review status: criteria provided, multiple submitters, no conflicts (2 of 4 stars). 2 submissions from 2 submitters: Uncertain significance (2). Last evaluated 2025-11-23.

Conditions:
Inborn genetic diseases. Identifiers: MedGen C0950123, MeSH D030342.

Allele frequency attached by ClinVar (database versions not stated): gnomAD exomes below 0.00001.
gnomAD v4.1: 1 of 1,513,770 alleles (0.000066%); highest among the groups gnomAD compares: South Asian, 0.0011%; no homozygotes.

Submissions (2):

Ambry Genetics
Classification: Uncertain significance for Inborn genetic diseases. Last evaluated: 2025-11-23. Review status: criteria provided, single submitter. Criteria: Ambry Variant Classification Scheme 2023. Collection method: clinical testing. Allele origin: germline.

Labcorp Genetics (formerly Invitae), Labcorp
Classification: Uncertain significance. Last evaluated: 2021-02-11. Review status: criteria provided, single submitter. Criteria: Invitae Variant Classification Sherloc (09022015). Collection method: clinical testing. Allele origin: germline.
Comment: This sequence change replaces threonine with serine at codon 853 of the COL18A1 protein (p.Thr853Ser). The threonine residue is weakly conserved and there is a small physicochemical difference between threonine and serine. This variant is not present in population databases (ExAC no frequency). This variant has not been reported in the literature in individuals with COL18A1-related conditions. Experimental studies and prediction algorithms are not available or were not evaluated, and the functional significance of this variant is currently unknown. In summary, the available evidence is currently insufficient to determine the role of this variant in disease. Therefore, it has been classified as a Variant of Uncertain Significance.